The following is an entry in ClinVar:

NM_000540.3(RYR1):c.12944G>C (p.Arg4315Pro)

Gene: RYR1 (ryanodine receptor 1; plus strand). Cytogenetic location: 19q13.2.
Variant type: single nucleotide variant.
Coding change: c.12944G>C on transcript NM_000540.3 (MANE Select); coding-DNA position 12944, G replaced by C.
Protein change: p.Arg4315Pro; replaces arginine 4315 with proline.
Molecular consequence: missense variant.
Genome position (GRCh38, 1-based): chr19:38,565,278, G>C. VCF-style: chr19-38565278-G-C. GRCh37 (hg19) VCF-style: chr19-39055918-G-C.
Other names: c.12929G>C, p.Arg4310Pro (NM_001042723.2); short protein forms R4310P, R4315P.
Identifiers: ClinVar variation 4535861 (VCV004535861.1).
Genomic context (GRCh38, chr19:38,565,278, plus strand): 5'-CGCGGGTTGTGGCGGCCGCAGGCCGGGCCCTGCGAGGCCTCAGCTACCGCAGCCTGCGGC[G>C]GCGCGTGCGGCGGCTGCGGCGGCTTACGGCCCGCGAGGCGGCCACCGCAGTGGCGGCGCT-3'
Protein context (NP_000531.2, residues 4305-4325): LRGLSYRSLR[Arg4315Pro]RVRRLRRLTA

ClinVar aggregate classification (germline): Uncertain significance (1 of 4 stars; one submission).

gnomAD v4.1: 1 of 999,438 alleles (0.0001%); highest among the groups gnomAD compares: African/African-American, 0.0017%; no homozygotes.

Submission:

Women's Health and Genetics/Laboratory Corporation of America, LabCorp
Classification: Uncertain significance. Last evaluated: 2025-09-03. Review status: criteria provided, single submitter. Criteria: LabCorp Variant Classification Summary - May 2015. Collection method: clinical testing. Allele origin: germline.
Comment: Variant summary: RYR1 c.12944G>C (p.Arg4315Pro) results in a non-conservative amino acid change in the encoded protein sequence. Algorithms developed to predict the effect of missense changes on protein structure and function all suggest that this variant is likely to be disruptive. The variant allele was found at a frequency of 1e-06 in 999438 control chromosomes. The available data on variant occurrences in the general population are insufficient to allow any conclusion about variant significance. To our knowledge, no occurrence of c.12944G>C in individuals affected with RYR1-related conditions and no experimental evidence demonstrating its impact on protein function have been reported. No submitters have cited clinical-significance assessments for this variant to ClinVar. Based on the evidence outlined above, the variant was classified as uncertain significance.